The following is an entry in ClinVar:

ClinVar aggregate classification (germline): Uncertain significance (1 of 4 stars; one submission).

Allele frequency attached by ClinVar (database versions not stated): TOPMed below 0.00001; gnomAD 0.00001.

Submission:

Labcorp Genetics (formerly Invitae), Labcorp
Classification: Uncertain significance. Last evaluated: 2022-08-09. Review status: criteria provided, single submitter. Criteria: Invitae Variant Classification Sherloc (09022015). Collection method: clinical testing. Allele origin: germline.
Comment: In summary, the available evidence is currently insufficient to determine the role of this variant in disease. Therefore, it has been classified as a Variant of Uncertain Significance. Algorithms developed to predict the effect of missense changes on protein structure and function are either unavailable or do not agree on the potential impact of this missense change (SIFT: "Deleterious"; PolyPhen-2: "Probably Damaging"; Align-GVGD: "Class C0"). ClinVar contains an entry for this variant (Variation ID: 1372688). This variant has not been reported in the literature in individuals affected with DOCK6-related conditions. The frequency data for this variant in the population databases is considered unreliable, as metrics indicate poor data quality at this position in the gnomAD database. This sequence change replaces glutamic acid, which is acidic and polar, with glutamine, which is neutral and polar, at codon 1052 of the DOCK6 protein (p.Glu1052Gln).

NM_020812.4(DOCK6):c.3154G>C (p.Glu1052Gln)

Gene: DOCK6 (dedicator of cytokinesis 6; minus strand). Cytogenetic location: 19p13.2.
Variant type: single nucleotide variant.
Coding change: c.3154G>C on transcript NM_020812.4 (MANE Select); coding-DNA position 3154, G replaced by C.
Protein change: p.Glu1052Gln; replaces glutamic acid 1052 with glutamine.
Molecular consequence: missense variant.
Genome position (GRCh38, 1-based): chr19:11,222,821, C>G on the plus strand (G>C on the coding strand, the complement: DOCK6 is on the minus strand). VCF-style: chr19-11222821-C-G. GRCh37 (hg19) VCF-style: chr19-11333497-C-G.
Other names: c.3259G>C, p.Glu1087Gln (NM_001367830.1); short protein forms E1087Q, E1052Q.
Identifiers: ClinVar variation 1372688 (VCV001372688.6), dbSNP rs774877657, ClinGen allele CA404090081.